The following is an entry in ClinVar:

ClinVar aggregate classification (germline): Likely benign (0 of 4 stars; one submission).

Conditions:
CIT-related disorder. Also called: CIT-related condition.

Allele frequency attached by ClinVar (database versions not stated): TOPMed below 0.00001; gnomAD 0.00001.
gnomAD v4.1: 13 of 1,595,248 alleles (0.00081%); highest among the groups gnomAD compares: Admixed American, 0.0086%; no homozygotes.

Submission:

PreventionGenetics, part of Exact Sciences
Classification: Likely benign for CIT-related condition. Last evaluated: 2019-05-31. Review status: no assertion criteria provided. Collection method: clinical testing. Allele origin: germline.
Comment: This variant is classified as likely benign based on ACMG/AMP sequence variant interpretation guidelines (Richards et al. 2015 PMID: 25741868, with internal and published modifications).

NM_001206999.2(CIT):c.5916C>T (p.Asn1972=)

Gene: CIT (citron rho-interacting serine/threonine kinase; minus strand). Cytogenetic location: 12q24.23.
Variant type: single nucleotide variant.
Coding change: c.5916C>T on transcript NM_001206999.2 (MANE Select); coding-DNA position 5916, C replaced by T.
Protein change: p.Asn1972=; no amino-acid change (asparagine 1972 retained).
Molecular consequence: synonymous variant.
Genome position (GRCh38, 1-based): chr12:119,690,421, G>A on the plus strand (C>T on the coding strand, the complement: CIT is on the minus strand). VCF-style: chr12-119690421-G-A. GRCh37 (hg19) VCF-style: chr12-120128226-G-A.
Other names: c.5790C>T, p.Asn1930= (NM_007174.3).
Identifiers: ClinVar variation 3044265 (VCV003044265.2), dbSNP rs1301165297, ClinGen allele CA482141414.